The following is an entry in ClinVar:

NM_018389.5(SLC35C1):c.*1315C>T

Gene: SLC35C1 (solute carrier family 35 member C1; plus strand). Cytogenetic location: 11p11.2.
Variant type: single nucleotide variant.
Coding change: c.*1315C>T on transcript NM_018389.5 (MANE Select); 1315 bases downstream of the stop codon, C replaced by T.
Molecular consequence: 3 prime UTR variant.
Genome position (GRCh38, 1-based): chr11:45,812,650, C>T. VCF-style: chr11-45812650-C-T. GRCh37 (hg19) VCF-style: chr11-45834201-C-T.
Other names: c.*1315C>T (NM_001145265.2, NM_001145266.2).
Identifiers: ClinVar variation 304760 (VCV000304760.6), dbSNP rs55758172, ClinGen allele CA5958413.

ClinVar aggregate classification (germline): Benign. Review status: criteria provided, multiple submitters, no conflicts (2 of 4 stars). 2 submissions from 2 submitters: Benign (2). Last evaluated 2018-01-12.

Conditions:
Leukocyte adhesion deficiency type II. Also called: CONGENITAL DISORDER OF GLYCOSYLATION, TYPE IIc; CDG IIc; Congenital disorder of glycosylation type 2C; CDG 2C; Leukocyte adhesion deficiency type 2; Rambam Hasharon syndrome. Identifiers: Orphanet 2968, Orphanet 99843, MedGen C0398739, MONDO:0009953, OMIM 266265.

Allele frequency attached by ClinVar (database versions not stated): 1000 Genomes Project 30x 0.12430; 1000 Genomes Project 0.12460; TOPMed 0.16802; ExAC 0.17013; gnomAD exomes 0.18699 and 0.21179; gnomAD 0.19265.

Submissions (2):

Illumina Laboratory Services, Illumina
Classification: Benign for Leukocyte adhesion deficiency type II. Last evaluated: 2018-01-12. Review status: criteria provided, single submitter. Criteria: ICSL Variant Classification Criteria 13 December 2019. Collection method: clinical testing. Allele origin: germline.
Comment: This variant was observed in the ICSL laboratory as part of a predisposition screen in an ostensibly healthy population. It had not been previously curated by ICSL or reported in the Human Gene Mutation Database (HGMD: prior to June 1st, 2018), and was therefore a candidate for classification through an automated scoring system. Utilizing variant allele frequency, disease prevalence and penetrance estimates, and inheritance mode, an automated score was calculated to assess if this variant is too frequent to cause the disease. Based on the score and internal cut-off values, a variant classified as benign is not then subjected to further curation. The score for this variant resulted in a classification of benign for this disease.

Breakthrough Genomics
Classification: Benign. Review status: criteria provided, single submitter. Criteria: ACMG Guidelines, 2015. Collection method: not provided. Allele origin: germline. Inheritance: Autosomal recessive inheritance. Affected: yes.